The following is an entry in ClinVar:

ClinVar aggregate classification (germline): Uncertain significance (1 of 4 stars; one submission).

gnomAD v4.1: 1 of 1,614,050 alleles (0.000062%); highest among the groups gnomAD compares: African/African-American, 0.0013%; no homozygotes.

Submission:

Labcorp Genetics (formerly Invitae), Labcorp
Classification: Uncertain significance. Last evaluated: 2025-03-24. Review status: criteria provided, single submitter. Criteria: Invitae Variant Classification Sherloc (09022015). Collection method: clinical testing. Allele origin: germline.
Comment: This sequence change replaces glutamine, which is neutral and polar, with histidine, which is basic and polar, at codon 1794 of the NIN protein (p.Gln1794His). This variant is not present in population databases (gnomAD no frequency). This variant has not been reported in the literature in individuals affected with NIN-related conditions. An algorithm developed to predict the effect of missense changes on protein structure and function (PolyPhen-2) suggests that this variant is likely to be disruptive. In summary, the available evidence is currently insufficient to determine the role of this variant in disease. Therefore, it has been classified as a Variant of Uncertain Significance.

NM_020921.4(NIN):c.5382G>C (p.Gln1794His)

Gene: NIN (ninein; minus strand). Cytogenetic location: 14q22.1.
Variant type: single nucleotide variant.
Coding change: c.5382G>C on transcript NM_020921.4 (MANE Select); coding-DNA position 5382, G replaced by C.
Protein change: p.Gln1794His; replaces glutamine 1794 with histidine.
Molecular consequence: missense variant.
Genome position (GRCh38, 1-based): chr14:50,741,648, C>G on the plus strand (G>C on the coding strand, the complement: NIN is on the minus strand). VCF-style: chr14-50741648-C-G. GRCh37 (hg19) VCF-style: chr14-51208366-C-G.
Other names: c.3243G>C, p.Gln1081His (NM_016350.5); c.5382G>C, p.Gln1794His (NM_182944.3, NM_182946.2); short protein forms Q1081H, Q1794H.
Identifiers: ClinVar variation 4773957 (VCV004773957.1).
Genomic context (GRCh38, chr14:50,741,648, plus strand): 5'-ACCAGCATTCTGAAGTTGCTTATGTAAAGACATCACTTCTTGTTTTAAAGCCTCCTTTTC[C>G]TGCTGAGTCACTCGTAGGTCAGATTTCATCCGGGACATTTGCAGGTTTACATTCTGCACG-3'
Protein context (NP_065972.4, residues 1784-1804): RMKSDLRVTQ[Gln1794His]EKEALKQEVM